The following is an entry in ClinVar:

NM_000350.3(ABCA4):c.3853_3854del (p.Leu1285fs)

Genes: ABCA4 (ATP binding cassette subfamily A member 4; minus strand), LOC126805794 (BRD4-independent group 4 enhancer GRCh37_chr1:94502188-94503387; plus strand). Cytogenetic location: 1p22.1.
Variant type: Microsatellite.
Coding change: c.3853_3854del on transcript NM_000350.3 (MANE Select); coding-DNA positions 3853 to 3854, 2 bases deleted (CT; older notation c.3853_3854delCT).
Protein change: p.Leu1285fs; shifts the reading frame from leucine 1285.
Molecular consequence: frameshift variant.
Genome position (GRCh38, 1-based): chr1:94,036,748-94,036,749, AG deleted on the plus strand (CT on the coding strand, the reverse complement: ABCA4 is on the minus strand); deleting any 2 consecutive bases within chr1:94,036,748-94,036,751 gives the same sequence; the c. name uses the placement nearest the transcript's 3' end. VCF-style (leftmost placement, unchanged base first): chr1-94036747-CAG-C. GRCh37 (hg19) VCF-style: chr1-94502303-CAG-C.
Other names: c.3629_3630CT[1], p.Leu1211Valfs (NM_001425324.1); short protein forms L1285fs.
Identifiers: ClinVar variation 1452570 (VCV001452570.6), dbSNP rs2101042844, ClinGen allele CA2580611172.

ClinVar aggregate classification (germline): Pathogenic (1 of 4 stars; one submission).

Submission:

Labcorp Genetics (formerly Invitae), Labcorp
Classification: Pathogenic. Last evaluated: 2022-11-22. Review status: criteria provided, single submitter. Criteria: Invitae Variant Classification Sherloc (09022015). Collection method: clinical testing. Allele origin: germline.
Comment: For these reasons, this variant has been classified as Pathogenic. This variant has not been reported in the literature in individuals affected with ABCA4-related conditions. This variant is not present in population databases (gnomAD no frequency). This sequence change creates a premature translational stop signal (p.Leu1285Valfs*136) in the ABCA4 gene. It is expected to result in an absent or disrupted protein product. Loss-of-function variants in ABCA4 are known to be pathogenic (PMID: 10958761, 24938718, 25312043, 26780318).

Literature cited by the submitters: PubMed 10958761; PubMed 24938718; PubMed 25312043; PubMed 26780318.